The following is an entry in ClinVar:

NM_015910.7(WDPCP):c.385-3del

Gene: WDPCP (WD repeat containing planar cell polarity effector; minus strand). Cytogenetic location: 2p15.
Variant type: Deletion.
Coding change: c.385-3del on transcript NM_015910.7 (MANE Select); 3 bases into the intron before coding-DNA position 385, one base deleted (T; older notation c.385-3delT).
Molecular consequence: intron variant.
Genome position (GRCh38, 1-based): chr2:63,439,874, A deleted on the plus strand (T on the coding strand, the reverse complement: WDPCP is on the minus strand); the first of 4 consecutive A bases (chr2:63,439,874-63,439,877); deleting any one gives the same sequence. VCF-style (leftmost placement, unchanged base first): chr2-63439873-TA-T. GRCh37 (hg19) VCF-style: chr2-63667007-TA-T.
Other names: c.313-3del (NM_001354044.2); c.385-3del (NM_001354045.2, NM_015910.5).
Identifiers: ClinVar variation 596735 (VCV000596735.17), dbSNP rs559429215, ClinGen allele CA1682481.
Genomic context (GRCh38, chr2:63,439,873, plus strand): 5'-TTCTCCAGCTGCGGCCCAGAAAGGCTTAGAGACACCAGCACACCTGAACCAAAAAGGAGC[TA>T]AAACCAGGTAAGTGGGGGAGAGAGGGAGGAAGACATGCTGTGATTTAGAATCTTTAAAAA-3'

ClinVar aggregate classification (germline): Conflicting classifications of pathogenicity. Review status: criteria provided, conflicting classifications (1 of 4 stars). 4 submissions from 4 submitters: Uncertain significance (1); Benign (1); Likely benign (2). Last evaluated 2026-02-02.

Conditions:
Bardet-Biedl syndrome (BBS). Identifiers: Orphanet 110, MedGen C0752166, MONDO:0015229.

Submissions (4):

Labcorp Genetics (formerly Invitae), Labcorp
Classification: Benign for Bardet-Biedl syndrome. Last evaluated: 2026-02-02. Review status: criteria provided, single submitter. Criteria: Invitae Variant Classification Sherloc (09022015). Collection method: clinical testing. Allele origin: germline.

Blueprint Genetics
Classification: Likely benign. Last evaluated: 2024-10-22. Review status: criteria provided, single submitter. Criteria: ACMG Guidelines, 2015. Collection method: clinical testing. Allele origin: germline.

GeneDx
Classification: Uncertain significance. Last evaluated: 2023-07-31. Review status: criteria provided, single submitter. Criteria: GeneDx Variant Classification Process June 2021. Collection method: clinical testing. Allele origin: germline. Affected: yes.
Comment: Has not been previously published as pathogenic or benign to our knowledge; In silico analysis is inconclusive as to whether the variant alters gene splicing. In the absence of RNA/functional studies, the actual effect of this sequence change is unknown.

Eurofins Ntd Llc (ga)
Classification: Likely benign. Last evaluated: 2018-04-16. Review status: criteria provided, single submitter. Criteria: EGL ClinVar v180209 classification definitions. Collection method: clinical testing. Allele origin: germline. Observed: 1 variant allele, 1 heterozygote.